The following is an entry in ClinVar:

NM_002470.4(MYH3):c.4925A>C (p.Lys1642Thr)

Gene: MYH3 (myosin heavy chain 3; minus strand). Cytogenetic location: 17p13.1.
Variant type: single nucleotide variant.
Coding change: c.4925A>C on transcript NM_002470.4 (MANE Select); coding-DNA position 4925, A replaced by C.
Protein change: p.Lys1642Thr; replaces lysine 1642 with threonine.
Molecular consequence: missense variant.
Genome position (GRCh38, 1-based): chr17:10,632,507, T>G on the plus strand (A>C on the coding strand, the complement: MYH3 is on the minus strand). VCF-style: chr17-10632507-T-G. GRCh37 (hg19) VCF-style: chr17-10535824-T-G.
Other names: short protein forms K1642T.
Identifiers: ClinVar variation 2831580 (VCV002831580.3), dbSNP rs143396252, ClinGen allele CA398136228.

ClinVar aggregate classification (germline): Uncertain significance (1 of 4 stars; one submission).

Submission:

Labcorp Genetics (formerly Invitae), Labcorp
Classification: Uncertain significance. Last evaluated: 2023-01-24. Review status: criteria provided, single submitter. Criteria: Invitae Variant Classification Sherloc (09022015). Collection method: clinical testing. Allele origin: germline.
Comment: In summary, the available evidence is currently insufficient to determine the role of this variant in disease. Therefore, it has been classified as a Variant of Uncertain Significance. Advanced modeling of protein sequence and biophysical properties (such as structural, functional, and spatial information, amino acid conservation, physicochemical variation, residue mobility, and thermodynamic stability) performed at Invitae indicates that this missense variant is not expected to disrupt MYH3 protein function. This variant has not been reported in the literature in individuals affected with MYH3-related conditions. This variant is not present in population databases (gnomAD no frequency). This sequence change replaces lysine, which is basic and polar, with threonine, which is neutral and polar, at codon 1642 of the MYH3 protein (p.Lys1642Thr).